The following is an entry in ClinVar:

ClinVar aggregate classification (germline): Likely benign (1 of 4 stars; one submission).

gnomAD v4.1: 137 of 1,612,390 alleles (0.0085%); highest among the groups gnomAD compares: African/African-American, 0.031%; 1 homozygote.

Submission:

CeGaT Center for Human Genetics Tuebingen
Classification: Likely benign. Last evaluated: 2025-06-01. Review status: criteria provided, single submitter. Criteria: CeGaT Center For Human Genetics Tuebingen Variant Classification Criteria Version 2. Collection method: clinical testing. Allele origin: germline. Affected: yes. Observed: 1 variant allele.
Comment: GALNT9: BP4, BP7

NM_001122636.2(GALNT9):c.1092C>T (p.Gly364=)

Gene: GALNT9 (polypeptide N-acetylgalactosaminyltransferase 9; minus strand). Cytogenetic location: 12q24.33.
Variant type: single nucleotide variant.
Coding change: c.1092C>T on transcript NM_001122636.2 (MANE Select); coding-DNA position 1092, C replaced by T.
Protein change: p.Gly364=; no amino-acid change (glycine 364 retained).
Molecular consequence: synonymous variant. On other transcripts: 5 prime UTR variant (1).
Genome position (GRCh38, 1-based): chr12:132,203,676, G>A on the plus strand (C>T on the coding strand, the complement: GALNT9 is on the minus strand). VCF-style: chr12-132203676-G-A. GRCh37 (hg19) VCF-style: chr12-132688221-G-A.
Other names: c.-7C>T (NM_021808.3).
Identifiers: ClinVar variation 3905019 (VCV003905019.10).